The following is an entry in ClinVar:

NM_025114.4(CEP290):c.4063C>T (p.Arg1355Cys)

Gene: CEP290 (centrosomal protein 290; minus strand). Cytogenetic location: 12q21.32.
Variant type: single nucleotide variant.
Coding change: c.4063C>T on transcript NM_025114.4 (MANE Select); coding-DNA position 4063, C replaced by T.
Protein change: p.Arg1355Cys; replaces arginine 1355 with cysteine.
Molecular consequence: missense variant.
Genome position (GRCh38, 1-based): chr12:88,087,911, G>A on the plus strand (C>T on the coding strand, the complement: CEP290 is on the minus strand). VCF-style: chr12-88087911-G-A. GRCh37 (hg19) VCF-style: chr12-88481688-G-A.
Other names: short protein forms R1355C.
Identifiers: ClinVar variation 806918 (VCV000806918.53), dbSNP rs376425111, ClinGen allele CA6712032.

ClinVar aggregate classification (germline): Conflicting classifications of pathogenicity. Review status: criteria provided, conflicting classifications (1 of 4 stars). 9 submissions from 9 submitters: Likely pathogenic (1); Uncertain significance (7). 1 of the submissions does not count toward it. Last evaluated 2026-09-17.

Conditions:
Senior-Loken syndrome 6 (SLSN6). Identifiers: Orphanet 3156, MedGen C1857779, MONDO:0012433, OMIM 610189.
Meckel syndrome, type 4 (MKS4). Also called: MECKEL-GRUBER SYNDROME, TYPE 4. Identifiers: Orphanet 564, MedGen C1970161, MONDO:0012626, OMIM 611134.
Bardet-Biedl syndrome 14 (BBS14). Identifiers: Orphanet 110, MedGen C2673874, MONDO:0014442, OMIM 615991.
Leber congenital amaurosis 10 (LCA10). Identifiers: Orphanet 65, MedGen C1857821, MONDO:0012723, OMIM 611755.
Joubert syndrome 5 (JBTS5). Identifiers: Orphanet 2318, MedGen C1857780, MONDO:0012432, OMIM 610188.
Leber congenital amaurosis (LCA). Also called: Leber's amaurosis. Identifiers: Orphanet 65, MedGen C0339527, MeSH D057130, MONDO:0018998.
CEP290-related disorder. Also called: CEP290-related disorders; CEP290-related condition. Identifiers: MedGen CN239314.
Joubert syndrome. Also called: JOUBERT-BOLTSHAUSER SYNDROME; Familial aplasia of the vermis. Identifiers: Orphanet 475, MedGen C5979921, MONDO:0018772.
Meckel-Gruber syndrome. Also called: DYSENCEPHALIA SPLANCHNOCYSTICA; GRUBER SYNDROME; Dysencephalia splachnocystica. Identifiers: Orphanet 564, MedGen C0265215, MONDO:0018921.
Nephronophthisis. Also called: Juvenile Nephronophthisis. Identifiers: Orphanet 655, MedGen C0687120, MONDO:0019005, HP:0000090.
Retinal dystrophy. Also called: Inherited retinal dystrophy. Identifiers: Orphanet 71862, MedGen C0854723, MeSH D058499, MONDO:0019118, HP:0000556.

Allele frequency attached by ClinVar (database versions not stated): TOPMed 0.00004; gnomAD exomes 0.00005 and 0.00006; gnomAD 0.00006; ExAC 0.00008; ESP Exome Variant Server 0.00017.
gnomAD v4.1: 66 of 1,204,504 alleles (0.0055%); highest among the groups gnomAD compares: Non-Finnish European, 0.0065%; no homozygotes.

Submissions (9):

PreventionGenetics, part of Exact Sciences
Classification: Uncertain significance for CEP290-related condition. Last evaluated: 2026-09-17. Review status: criteria provided, single submitter. Criteria: ACMG Guidelines, 2015. Collection method: clinical testing. Allele origin: germline.
Comment: The CEP290 c.4063C>T variant is predicted to result in the amino acid substitution p.Arg1355Cys. This variant was reported in the compound heterozygous state with a truncating variant in an individual with early childhood onset retinal dystrophy (Patient 431 in Supplementary Table 1, Stone et al. 2017. PubMed ID: 28559085). It has been reported in an individual who also carried CEP290 c.7048C>T and did not have features of ciliopathy (Best et al. 2022. PubMed ID: 35764379). At PreventionGenetics, this variant has been observed in multiple patients who also carried c.7048C>T, and in one case, the two variants were confirmed to occur in cis (Internal Data). This variant is reported in 0.0084% of alleles in individuals of African descent in gnomAD. At this time, the clinical significance of this variant is uncertain due to the absence of conclusive functional and genetic evidence.

Dasa
Classification: Uncertain significance. Last evaluated: 2025-04-29. Review status: criteria provided, single submitter. Criteria: DASA Assertion Criteria. Collection method: clinical testing. Allele origin: germline.
Comment: NM_025114.4(CEP290):c.4063C>T (p.Arg1355Cys) is a missense variant that results in the substitution of arginine with cysteine. This variant has been reported in individuals with CEP290-related disorders (PMID: 28559085). Also, this variant is rare in population databases. Computational prediction algorithms are consistent with a benign effect. The currently available literature and clinical evidence are not sufficient to establish a definitive association between this variant and the reported condition. Therefore, this variant is classified as a variant of uncertain significance.

Centre for Clinical Genetics and Genomic Diagnostics, Zealand University Hospital
Classification: Uncertain significance. Last evaluated: 2024-12-17. Review status: criteria provided, single submitter. Criteria: ACMG Guidelines, 2015. Collection method: clinical testing. Allele origin: germline. Affected: yes.

Blueprint Genetics
Classification: Likely pathogenic for CEP290-related disorders. Last evaluated: 2024-10-22. Review status: criteria provided, single submitter. Criteria: ACMG Guidelines, 2015. Collection method: clinical testing. Allele origin: germline. Affected: yes. Observed: 5 variant alleles.

Fulgent Genetics
Classification: Uncertain significance for Joubert syndrome 5; Senior-Loken syndrome 6; Meckel syndrome, type 4; Leber congenital amaurosis 10; Bardet-Biedl syndrome 14. Last evaluated: 2024-03-05. Review status: criteria provided, single submitter. Criteria: ACMG Guidelines, 2015. Collection method: clinical testing. Allele origin: germline.

Labcorp Genetics (formerly Invitae), Labcorp
Classification: Uncertain significance for Joubert syndrome; Meckel-Gruber syndrome; Nephronophthisis. Last evaluated: 2022-09-17. Review status: criteria provided, single submitter. Criteria: Invitae Variant Classification Sherloc (09022015). Collection method: clinical testing. Allele origin: germline.
Comment: This sequence change replaces arginine, which is basic and polar, with cysteine, which is neutral and slightly polar, at codon 1355 of the CEP290 protein (p.Arg1355Cys). The frequency data for this variant in the population databases is considered unreliable, as metrics indicate poor data quality at this position in the gnomAD database. This missense change has been observed in individual(s) with early childhood onset retinal dystrophy (PMID: 28559085). In at least one individual the data is consistent with being in trans (on the opposite chromosome) from a pathogenic variant. ClinVar contains an entry for this variant (Variation ID: 806918). Advanced modeling of protein sequence and biophysical properties (such as structural, functional, and spatial information, amino acid conservation, physicochemical variation, residue mobility, and thermodynamic stability) performed at Invitae indicates that this missense variant is expected to disrupt CEP290 protein function. In summary, the available evidence is currently insufficient to determine the role of this variant in disease. Therefore, it has been classified as a Variant of Uncertain Significance.

Institute of Human Genetics, Univ. Regensburg, Univ. Regensburg
Classification: Uncertain significance for Retinal dystrophy. Last evaluated: 2022-01-01. Review status: criteria provided, single submitter. Criteria: ACMG Guidelines, 2015. Collection method: clinical testing. Allele origin: germline. Affected: yes.

CeGaT Center for Human Genetics Tuebingen
Classification: Uncertain significance. Last evaluated: 2016-12-01. Review status: criteria provided, single submitter. Criteria: CeGaT Center For Human Genetics Tuebingen Variant Classification Criteria Version 2. Collection method: clinical testing. Allele origin: germline. Affected: yes. Observed: 1 variant allele.

Natera, Inc.
Classification: Uncertain significance for Leber congenital amaurosis. Last evaluated: 2020-08-04. Review status: no assertion criteria provided. Collection method: clinical testing. Allele origin: germline. Not counted in ClinVar's aggregate classification.

Literature cited by the submitters: PubMed 28559085 (cited by 3 submitters); PubMed 35764379 (cited by Dasa).